The following is an entry in ClinVar:

ClinVar aggregate classification (germline): Uncertain significance. Review status: criteria provided, multiple submitters, no conflicts (2 of 4 stars). 2 submissions from 2 submitters: Uncertain significance (2). Last evaluated 2025-10-12.

Conditions:
Hereditary cancer-predisposing syndrome. Also called: Neoplastic Syndromes, Hereditary; Tumor predisposition; Hereditary neoplastic syndrome; Hereditary Cancer Syndrome. Identifiers: Orphanet 140162, MedGen C0027672, MeSH D009386, MONDO:0015356.
Haddad syndrome (OHD). Also called: Ondine-Hirschsprung disease. Identifiers: Orphanet 99803, MedGen C1859049, MONDO:0020493.

Allele frequency attached by ClinVar (database versions not stated): gnomAD 0.00001; TOPMed 0.00002.
gnomAD v4.1: 1 of 1,282,154 alleles (0.000078%); highest among the groups gnomAD compares: African/African-American, 0.0016%; no homozygotes.

Submissions (2):

Ambry Genetics
Classification: Uncertain significance for Hereditary cancer-predisposing syndrome. Last evaluated: 2025-10-12. Review status: criteria provided, single submitter. Criteria: Ambry Variant Classification Scheme 2023. Collection method: clinical testing. Allele origin: germline.
Comment: The p.G237R variant (also known as c.709G>C), located in coding exon 3 of the PHOX2B gene, results from a G to C substitution at nucleotide position 709. The glycine at codon 237 is replaced by arginine, an amino acid with dissimilar properties. This amino acid position is well conserved in available vertebrate species. In addition, the in silico prediction for this alteration is inconclusive. Since supporting evidence is limited at this time, the clinical significance of this alteration remains unclear.

Labcorp Genetics (formerly Invitae), Labcorp
Classification: Uncertain significance for Haddad syndrome. Last evaluated: 2023-08-27. Review status: criteria provided, single submitter. Criteria: Invitae Variant Classification Sherloc (09022015). Collection method: clinical testing. Allele origin: germline.
Comment: This variant has not been reported in the literature in individuals affected with PHOX2B-related conditions. ClinVar contains an entry for this variant (Variation ID: 826833). Advanced modeling of protein sequence and biophysical properties (such as structural, functional, and spatial information, amino acid conservation, physicochemical variation, residue mobility, and thermodynamic stability) performed at Invitae indicates that this missense variant is not expected to disrupt PHOX2B protein function. In summary, the available evidence is currently insufficient to determine the role of this variant in disease. Therefore, it has been classified as a Variant of Uncertain Significance. This sequence change replaces glycine, which is neutral and non-polar, with arginine, which is basic and polar, at codon 237 of the PHOX2B protein (p.Gly237Arg). This variant is not present in population databases (gnomAD no frequency).

NM_003924.4(PHOX2B):c.709G>C (p.Gly237Arg)

Gene: PHOX2B (paired like homeobox 2B; minus strand). Cytogenetic location: 4p13.
Variant type: single nucleotide variant.
Coding change: c.709G>C on transcript NM_003924.4 (MANE Select); coding-DNA position 709, G replaced by C.
Protein change: p.Gly237Arg; replaces glycine 237 with arginine.
Molecular consequence: missense variant.
Genome position (GRCh38, 1-based): chr4:41,746,043, C>G on the plus strand (G>C on the coding strand, the complement: PHOX2B is on the minus strand). VCF-style: chr4-41746043-C-G. GRCh37 (hg19) VCF-style: chr4-41748060-C-G.
Other names: short protein forms G237R.
Identifiers: ClinVar variation 826833 (VCV000826833.13), dbSNP rs1256766962, ClinGen allele CA356737316.